The following is an entry in ClinVar:

ClinVar aggregate classification (germline): Benign. Review status: criteria provided, multiple submitters, no conflicts (2 of 4 stars). 5 submissions from 5 submitters: Benign (5). Last evaluated 2026-08-01.

Conditions:
Inflammatory skin and bowel disease, neonatal, 1. Identifiers: Orphanet 294023, MedGen C3280501, MONDO:0013693, OMIM 614328.

Allele frequency attached by ClinVar (database versions not stated): 1000 Genomes Project 0.00180; 1000 Genomes Project 30x 0.00219; TOPMed 0.00568; ESP Exome Variant Server 0.00584; gnomAD 0.00601 and 0.00624; gnomAD exomes 0.00661 and 0.00876; ExAC 0.00703.
gnomAD v4.1: 13,189 of 1,566,064 alleles (0.84%); highest among the groups gnomAD compares: Non-Finnish European, 1%; 74 homozygotes.

Submissions (5):

CeGaT Center for Human Genetics Tuebingen
Classification: Benign. Last evaluated: 2026-08-01. Review status: criteria provided, single submitter. Criteria: CeGaT Center For Human Genetics Tuebingen Variant Classification Criteria Version 2. Collection method: clinical testing. Allele origin: germline. Affected: yes. Observed: 14 variant alleles.
Comment: ADAM17: BP4, BS1, BS2

Labcorp Genetics (formerly Invitae), Labcorp
Classification: Benign for Inflammatory skin and bowel disease, neonatal, 1. Last evaluated: 2026-02-01. Review status: criteria provided, single submitter. Criteria: Invitae Variant Classification Sherloc (09022015). Collection method: clinical testing. Allele origin: germline.

Women's Health and Genetics/Laboratory Corporation of America, LabCorp
Classification: Benign. Last evaluated: 2026-01-22. Review status: criteria provided, single submitter. Criteria: LabCorp Variant Classification Summary - May 2015. Collection method: clinical testing. Allele origin: germline.

Mayo Clinic Laboratories, Mayo Clinic
Classification: Benign. Last evaluated: 2024-11-05. Review status: criteria provided, single submitter. Criteria: ACMG Guidelines, 2015. Collection method: clinical testing. Allele origin: germline. Observed: 12 variant alleles.
Comment: BS1, BS2, BP4, BP7

Breakthrough Genomics
Classification: Benign. Review status: criteria provided, single submitter. Criteria: ACMG Guidelines, 2015. Collection method: not provided. Allele origin: germline. Inheritance: Autosomal recessive inheritance. Affected: yes.

NM_003183.6(ADAM17):c.844-5T>C

Gene: ADAM17 (ADAM metallopeptidase domain 17; minus strand). Cytogenetic location: 2p25.1.
Variant type: single nucleotide variant.
Coding change: c.844-5T>C on transcript NM_003183.6 (MANE Select); 5 bases into the intron before coding-DNA position 844, T replaced by C.
Molecular consequence: intron variant.
Genome position (GRCh38, 1-based): chr2:9,521,321, A>G on the plus strand (T>C on the coding strand, the complement: ADAM17 is on the minus strand). VCF-style: chr2-9521321-A-G. GRCh37 (hg19) VCF-style: chr2-9661450-A-G.
Other names: p.?; c.844-5T>C (LRG_1203t1).
Identifiers: ClinVar variation 539951 (VCV000539951.36), dbSNP rs201461814, ClinGen allele CA1523639.